The following is an entry in ClinVar:

ClinVar aggregate classification (germline): Pathogenic (1 of 4 stars; one submission).

Submission:

ISCA site 15
Classification: Pathogenic. Last evaluated: 2011-08-12. Review status: criteria provided, single submitter. Criteria: Kaminsky et al. (Genet Med. 2011). Collection method: clinical testing. Allele origin: de novo. Affected: yes. Observed: 1 variant allele.
Comment: Copy number variation identified through the course of routine clinical cytogenomic testing in postnatal populations. Clinical assertions have been curated as described in Kaminsky et al. 2011.

GRCh38/hg38 1q43(chr1:238412092-241098768)x1

Genes: CHRM3 (cholinergic receptor muscarinic 3; plus strand), CHRM3-AS1 (CHRM3 antisense RNA 1; minus strand), CHRM3-AS2 (CHRM3 antisense RNA 2; minus strand), FMN2 (formin 2; plus strand), GREM2 (gremlin 2, DAN family BMP antagonist; minus strand) and 10 more. Cytogenetic location: 1q43.
Variant type: copy number loss.
Change: copy number 1 (one copy instead of two) of chr1:238,412,092-241,098,768 (2.69 Mb, GRCh38 coordinates, 1-based), cytogenetic band 1q43.
Identifiers: ClinVar variation 60119 (VCV000060119.1).